The following is an entry in ClinVar:

NM_001231.5(CASQ1):c.466-3C>T

Gene: CASQ1 (calsequestrin 1; plus strand). Cytogenetic location: 1q23.2.
Variant type: single nucleotide variant.
Coding change: c.466-3C>T on transcript NM_001231.5 (MANE Select); 3 bases into the intron before coding-DNA position 466, C replaced by T.
Molecular consequence: intron variant.
Genome position (GRCh38, 1-based): chr1:160,195,009, C>T. VCF-style: chr1-160195009-C-T. GRCh37 (hg19) VCF-style: chr1-160164799-C-T.
Identifiers: ClinVar variation 2797058 (VCV002797058.3), dbSNP rs773893957, ClinGen allele CA1196212.

ClinVar aggregate classification (germline): Uncertain significance (1 of 4 stars; one submission).

Allele frequency attached by ClinVar (database versions not stated): gnomAD exomes below 0.00001; ExAC 0.00001; gnomAD 0.00001.

Submission:

Labcorp Genetics (formerly Invitae), Labcorp
Classification: Uncertain significance. Last evaluated: 2023-09-11. Review status: criteria provided, single submitter. Criteria: Invitae Variant Classification Sherloc (09022015). Collection method: clinical testing. Allele origin: germline.
Comment: In summary, the available evidence is currently insufficient to determine the role of this variant in disease. Therefore, it has been classified as a Variant of Uncertain Significance. Variants that disrupt the consensus splice site are a relatively common cause of aberrant splicing (PMID: 17576681, 9536098). Algorithms developed to predict the effect of sequence changes on RNA splicing suggest that this variant is not likely to affect RNA splicing. This variant has not been reported in the literature in individuals affected with CASQ1-related conditions. This variant is present in population databases (rs773893957, gnomAD 0.01%). This sequence change falls in intron 3 of the CASQ1 gene. It does not directly change the encoded amino acid sequence of the CASQ1 protein. It affects a nucleotide within the consensus splice site.

Literature cited by the submitters: PubMed 17576681; PubMed 9536098.